The following is an entry in ClinVar:

NM_004999.4(MYO6):c.458C>T (p.Ser153Leu)

Gene: MYO6 (myosin VI; plus strand). Cytogenetic location: 6q14.1.
Variant type: single nucleotide variant.
Coding change: c.458C>T on transcript NM_004999.4 (MANE Select); coding-DNA position 458, C replaced by T.
Protein change: p.Ser153Leu; replaces serine 153 with leucine.
Molecular consequence: missense variant. On other transcripts: non-coding transcript variant (2).
Genome position (GRCh38, 1-based): chr6:75,832,908, C>T. VCF-style: chr6-75832908-C-T. GRCh37 (hg19) VCF-style: chr6-76542625-C-T.
Other names: c.458C>T, p.Ser153Leu (NM_001300899.2, NM_001368136.1, NM_001368137.1 and 5 more transcripts); short protein forms S153L.
Identifiers: ClinVar variation 5000293 (VCV005000293.1).

ClinVar aggregate classification (germline): Uncertain significance (1 of 4 stars; one submission).

Conditions:
MYO6-related disorder. Also called: MYO6-related disorders; MYO6-related condition.

Submission:

PreventionGenetics, part of Exact Sciences
Classification: Uncertain significance for MYO6-related condition. Last evaluated: 2024-12-03. Review status: criteria provided, single submitter. Criteria: ACMG Guidelines, 2015. Collection method: clinical testing. Allele origin: germline.
Comment: The MYO6 c.458C>T variant is predicted to result in the amino acid substitution p.Ser153Leu. To our knowledge, this variant has not been reported in the literature or in a large population database (gnomAD), indicating this variant is rare. At this time, the clinical significance of this variant is uncertain due to the absence of conclusive functional and genetic evidence.